The following is an entry in ClinVar:

NM_000500.9(CYP21A2):c.292+5G>A

Genes: CYP21A2 (cytochrome P450 family 21 subfamily A member 2; plus strand), LOC106780800 (CYP21A2 recombination region; plus strand). Cytogenetic location: 6p21.33.
Variant type: single nucleotide variant.
Coding change: c.292+5G>A on transcript NM_000500.9 (MANE Select); 5 bases into the intron after coding-DNA position 292, G replaced by A.
Molecular consequence: intron variant.
Genome position (GRCh38, 1-based): chr6:32,038,816, G>A. VCF-style: chr6-32038816-G-A. GRCh37 (hg19) VCF-style: chr6-32006593-G-A.
Other names: c.-133+5G>A (NM_001368143.2); c.-133+192G>A (NM_001368144.2); c.202+192G>A (NM_001128590.4).
Identifiers: ClinVar variation 3354998 (VCV003354998.3).

ClinVar aggregate classification (germline): Pathogenic. Review status: criteria provided, multiple submitters, no conflicts (2 of 4 stars). 2 submissions from 2 submitters: Pathogenic (2). Last evaluated 2024-11-08.

Conditions:
CYP21A2-related disorder. Also called: CYP21A2-related condition.

Submissions (2):

PreventionGenetics, part of Exact Sciences
Classification: Pathogenic for CYP21A2-related condition. Last evaluated: 2024-11-08. Review status: criteria provided, single submitter. Criteria: ACMG Guidelines, 2015. Collection method: clinical testing. Allele origin: germline.
Comment: The CYP21A2 c.292+5G>A variant is predicted to interfere with splicing. This variant has been reported to be pathogenic and associated with salt-wasting (SW) congenital adrenal hyperplasia (CAH) (Baumgartner-Parzer et al. 2020. PubMed ID: 32616876; Friaes et al. 2006. PubMed ID: 16427797; Ezquieta et al. 2010. PubMed ID: 20661889; Umaña-Calderón et al. 2021. PubMed ID: 33604243). To our knowledge, this variant has not been reported in a large population database (gnomAD), indicating this variant is rare. This variant falls within a highly paralogous region. Allele frequency data should be interpreted with caution. This variant is likely among the naturally occurring pathogenic variants unrelated to the pseudogene CYP21A1P. This variant is interpreted as pathogenic.

Quest Diagnostics Nichols Institute San Juan Capistrano
Classification: Pathogenic. Last evaluated: 2024-01-08. Review status: criteria provided, single submitter. Criteria: Quest Diagnostics criteria. Collection method: clinical testing. Allele origin: unknown.
Comment: The CYP21A2 c.292+5G>A variant (also known as IVS2+5G>A) has been reported in the published literature in multiple individuals with salt wasting congenital adrenal hyperplasia (CAH) (PMID: 16427797 (2006), 20661889 (2010), 21609351 (2011), 33604243 (2021)). This variant has not been reported in large, multi-ethnic general populations (Genome Aggregation Database). Analysis of this variant using software algorithms for the prediction of the effect of nucleotide changes on splicing yielded predictions that this variant may affect proper CYP21A2 mRNA splicing. Based on the available information, this variant is classified as pathogenic.

Literature cited by the submitters: PubMed 33604243 (cited by Quest Diagnostics Nichols Institute San Juan Capistrano); PubMed 16427797 (cited by Quest Diagnostics Nichols Institute San Juan Capistrano); PubMed 20661889 (cited by Quest Diagnostics Nichols Institute San Juan Capistrano); PubMed 21609351 (cited by Quest Diagnostics Nichols Institute San Juan Capistrano).